The following is an entry in ClinVar:

NM_001134363.3(RBM20):c.2905G>T (p.Val969Leu)

Gene: RBM20 (RNA binding motif protein 20; plus strand). Cytogenetic location: 10q25.2.
Variant type: single nucleotide variant.
Coding change: c.2905G>T on transcript NM_001134363.3 (MANE Select); coding-DNA position 2905, G replaced by T.
Protein change: p.Val969Leu; replaces valine 969 with leucine.
Molecular consequence: missense variant.
Genome position (GRCh38, 1-based): chr10:110,821,524, G>T. VCF-style: chr10-110821524-G-T. GRCh37 (hg19) VCF-style: chr10-112581282-G-T.
Other names: short protein forms V969L.
Identifiers: ClinVar variation 652878 (VCV000652878.10), dbSNP rs369747752, ClinGen allele CA5688718.

ClinVar aggregate classification (germline): Conflicting classifications of pathogenicity. Review status: criteria provided, conflicting classifications (1 of 4 stars). 3 submissions from 3 submitters: Uncertain significance (2); Likely benign (1). Last evaluated 2025-12-01.

Conditions:
Cardiovascular phenotype. Identifiers: MedGen CN230736.
Dilated cardiomyopathy 1DD (CMD1DD). Identifiers: Orphanet 154, MedGen C2750995, MONDO:0013168, OMIM 613172.

Allele frequency attached by ClinVar (database versions not stated): TOPMed 0.00002.

Submissions (3):

Labcorp Genetics (formerly Invitae), Labcorp
Classification: Uncertain significance for Dilated cardiomyopathy 1DD. Last evaluated: 2025-12-01. Review status: criteria provided, single submitter. Criteria: Invitae Variant Classification Sherloc (09022015). Collection method: clinical testing. Allele origin: germline.
Comment: This sequence change replaces valine, which is neutral and non-polar, with leucine, which is neutral and non-polar, at codon 969 of the RBM20 protein (p.Val969Leu). This variant is present in population databases (rs369747752, gnomAD 0.002%). This variant has not been reported in the literature in individuals affected with RBM20-related conditions. ClinVar contains an entry for this variant (Variation ID: 652878). Invitae Evidence Modeling of protein sequence and biophysical properties (such as structural, functional, and spatial information, amino acid conservation, physicochemical variation, residue mobility, and thermodynamic stability) indicates that this missense variant is not expected to disrupt RBM20 protein function with a negative predictive value of 95%. In summary, the available evidence is currently insufficient to determine the role of this variant in disease. Therefore, it has been classified as a Variant of Uncertain Significance.

Ambry Genetics
Classification: Likely benign for Cardiovascular phenotype. Last evaluated: 2025-10-01. Review status: criteria provided, single submitter. Criteria: Ambry Variant Classification Scheme 2023. Collection method: clinical testing. Allele origin: germline.

GeneDx
Classification: Uncertain significance. Last evaluated: 2024-01-30. Review status: criteria provided, single submitter. Criteria: GeneDx Variant Classification Process June 2021. Collection method: clinical testing. Allele origin: germline. Affected: yes.
Comment: Has not been previously published as pathogenic or benign to our knowledge; Not observed at significant frequency in large population cohorts (gnomAD); In silico analysis supports that this missense variant does not alter protein structure/function